The following is an entry in ClinVar:

NM_001377.3(DYNC2H1):c.11493+276del

Gene: DYNC2H1 (dynein cytoplasmic 2 heavy chain 1; plus strand). Cytogenetic location: 11q22.3.
Variant type: Deletion.
Coding change: c.11493+276del on transcript NM_001377.3 (MANE Select); 276 bases into the intron after coding-DNA position 11493, one base deleted (C; older notation c.11493+276delC).
Molecular consequence: intron variant.
Genome position (GRCh38, 1-based): chr11:103,308,107, C deleted; the last of 2 consecutive C bases (chr11:103,308,106-103,308,107); deleting either gives the same sequence. VCF-style (leftmost placement, unchanged base first): chr11-103308105-AC-A. GRCh37 (hg19) VCF-style: chr11-103178834-AC-A.
Other names: c.11514+276del (NM_001080463.2).
Identifiers: ClinVar variation 671222 (VCV000671222.1), dbSNP rs11348824, ClinGen allele CA227427709.

ClinVar aggregate classification (germline): Benign (1 of 4 stars; one submission).

Submission:

GeneDx
Classification: Benign. Last evaluated: 2018-06-14. Review status: criteria provided, single submitter. Criteria: GeneDx Variant Classification (06012015). Collection method: clinical testing. Allele origin: germline. Affected: yes.
Comment: This variant is considered likely benign or benign based on one or more of the following criteria: it is a conservative change, it occurs at a poorly conserved position in the protein, it is predicted to be benign by multiple in silico algorithms, and/or has population frequency not consistent with disease.